The following is an entry in ClinVar:

ClinVar aggregate classification (germline): Likely benign (1 of 4 stars; one submission).

Submission:

GeneDx
Classification: Likely benign. Last evaluated: 2016-04-07. Review status: criteria provided, single submitter. Criteria: GeneDx Variant Classification (06012015). Collection method: clinical testing. Allele origin: germline. Affected: yes.
Comment: This variant is considered likely benign or benign based on one or more of the following criteria: it is a conservative change, it occurs at a poorly conserved position in the protein, it is predicted to be benign by multiple in silico algorithms, and/or has population frequency not consistent with disease.

NM_020745.4(AARS2):c.750-7T>C

Genes: AARS2 (alanyl-tRNA synthetase 2, mitochondrial; minus strand), POLR1C (RNA polymerase I and III subunit C; plus strand). Cytogenetic location: 6p21.1.
Variant type: single nucleotide variant.
Coding change: c.750-7T>C on transcript NM_020745.4 (MANE Select); 7 bases into the intron before coding-DNA position 750, T replaced by C.
Molecular consequence: intron variant.
Genome position (GRCh38, 1-based): chr6:44,310,450, A>G on the plus strand (T>C on the coding strand, the complement: AARS2 is on the minus strand). VCF-style: chr6-44310450-A-G. GRCh37 (hg19) VCF-style: chr6-44278187-A-G.
Identifiers: ClinVar variation 385164 (VCV000385164.1), dbSNP rs1057522139, ClinGen allele CA16605049.